The following is an entry in ClinVar:

ClinVar aggregate classification (germline): Uncertain significance. Review status: criteria provided, multiple submitters, no conflicts (2 of 4 stars). 5 submissions from 5 submitters: Uncertain significance (5). Last evaluated 2025-09-22.

Conditions:
Atypical hemolytic-uremic syndrome with thrombomodulin anomaly. Also called: HEMOLYTIC UREMIC SYNDROME, ATYPICAL, SUSCEPTIBILITY TO, 6; AHUS, SUSCEPTIBILITY TO, 6. Identifiers: MedGen C2752036, MONDO:0013044, OMIM 612926. Disease mechanism: gain of function.
Thrombomodulin-related bleeding disorder (THPH12). Also called: Thrombophilia due to thrombomodulin defect. Identifiers: Orphanet 436169, MedGen C3280976, MONDO:0013775, OMIM 614486.

Allele frequency attached by ClinVar (database versions not stated): ExAC below 0.00001; gnomAD 0.00001 and 0.00003; gnomAD exomes 0.00001; TOPMed 0.00002.

Submissions (5):

Genomenon, Inc
Classification: Uncertain significance for Thrombomodulin-related bleeding disorder. Last evaluated: 2025-09-22. Review status: criteria provided, single submitter. Criteria: Genomenon Sequence Variant Interpretation Standards - Updated. Collection method: curation. Allele origin: germline. Affected: no.
Comment: THBD p.Gly79Ala (c.236G>C) is a missense variant that changes the amino acid at residue 79 from Glycine to Alanine. This variant has been reported in the published literature (PMID:11986219;29046944;10102456). It is absent or not present at a significant frequency in gnomAD. In silico models agree that this variant is not damaging. In conclusion, we classify THBD p.Gly79Ala (c.236G>C) as a variant of unknown significance.

Labcorp Genetics (formerly Invitae), Labcorp
Classification: Uncertain significance. Last evaluated: 2025-03-19. Review status: criteria provided, single submitter. Criteria: Invitae Variant Classification Sherloc (09022015). Collection method: clinical testing. Allele origin: germline.
Comment: This sequence change replaces glycine, which is neutral and non-polar, with alanine, which is neutral and non-polar, at codon 79 of the THBD protein (p.Gly79Ala). This variant is present in population databases (rs1800577, gnomAD 0.004%). This missense change has been observed in individual(s) with thromboembolic disease (PMID: 9198186). This variant is also known as Gly61Ala. ClinVar contains an entry for this variant (Variation ID: 809235). Invitae Evidence Modeling of protein sequence and biophysical properties (such as structural, functional, and spatial information, amino acid conservation, physicochemical variation, residue mobility, and thermodynamic stability) indicates that this missense variant is not expected to disrupt THBD protein function with a negative predictive value of 80%. In summary, the available evidence is currently insufficient to determine the role of this variant in disease. Therefore, it has been classified as a Variant of Uncertain Significance.

Blueprint Genetics
Classification: Uncertain significance. Last evaluated: 2024-08-12. Review status: criteria provided, single submitter. Criteria: ACMG Guidelines, 2015. Collection method: clinical testing. Allele origin: germline.

Fulgent Genetics
Classification: Uncertain significance for Atypical hemolytic-uremic syndrome with thrombomodulin anomaly; Thrombomodulin-related bleeding disorder. Last evaluated: 2022-03-16. Review status: criteria provided, single submitter. Criteria: ACMG Guidelines, 2015. Collection method: clinical testing. Allele origin: unknown.

CeGaT Center for Human Genetics Tuebingen
Classification: Uncertain significance. Last evaluated: 2019-06-01. Review status: criteria provided, single submitter. Criteria: CeGaT Center For Human Genetics Tuebingen Variant Classification Criteria Version 2. Collection method: clinical testing. Allele origin: germline. Affected: yes. Observed: 1 variant allele.

Literature cited by the submitters: PubMed 11986219 (cited by Genomenon, Inc); PubMed 29046944 (cited by Genomenon, Inc); PubMed 10102456 (cited by Genomenon, Inc); PubMed 9198186 (cited by Labcorp Genetics (formerly Invitae), Labcorp).

NM_000361.3(THBD):c.236G>C (p.Gly79Ala)

Gene: THBD (thrombomodulin; minus strand). Cytogenetic location: 20p11.21.
Variant type: single nucleotide variant.
Coding change: c.236G>C on transcript NM_000361.3 (MANE Select); coding-DNA position 236, G replaced by C.
Protein change: p.Gly79Ala; replaces glycine 79 with alanine.
Molecular consequence: missense variant.
Genome position (GRCh38, 1-based): chr20:23,049,269, C>G on the plus strand (G>C on the coding strand, the complement: THBD is on the minus strand). VCF-style: chr20-23049269-C-G. GRCh37 (hg19) VCF-style: chr20-23029906-C-G.
Other names: short protein forms G79A.
Identifiers: ClinVar variation 809235 (VCV000809235.49), dbSNP rs1800577, ClinGen allele CA9787767.